The following is an entry in ClinVar:

NM_000554.6(CRX):c.37G>C (p.Val13Leu)

Gene: CRX (cone-rod homeobox; plus strand). Cytogenetic location: 19q13.33.
Variant type: single nucleotide variant.
Coding change: c.37G>C on transcript NM_000554.6 (MANE Select); coding-DNA position 37, G replaced by C.
Protein change: p.Val13Leu; replaces valine 13 with leucine.
Molecular consequence: missense variant.
Genome position (GRCh38, 1-based): chr19:47,834,480, G>C. VCF-style: chr19-47834480-G-C. GRCh37 (hg19) VCF-style: chr19-48337737-G-C.
Other names: c.37G>C (NM_000554.5); short protein forms V13L.
Identifiers: ClinVar variation 2947663 (VCV002947663.6), dbSNP rs752458888, ClinGen allele CA9544371.

ClinVar aggregate classification (germline): Conflicting classifications of pathogenicity. Review status: criteria provided, conflicting classifications (1 of 4 stars). 4 submissions from 4 submitters: Uncertain significance (3); Likely benign (1). Last evaluated 2025-12-09.

Conditions:
CRX-related disorder. Also called: CRX-related condition.
Leber congenital amaurosis 7 (LCA7). Identifiers: Orphanet 65, MedGen C3151192, MONDO:0013449, OMIM 613829.
Cone-rod dystrophy 2 (CORD2). Also called: CONE-ROD RETINAL DYSTROPHY; Cone-rod retinal dystrophy 2. Identifiers: Orphanet 1872, MedGen C3489532, MONDO:0007362, OMIM 120970.

Allele frequency attached by ClinVar (database versions not stated): TOPMed below 0.00001; gnomAD 0.00001; gnomAD exomes 0.00002; ExAC 0.00003.
gnomAD v4.1: 34 of 1,614,026 alleles (0.0021%); highest among the groups gnomAD compares: South Asian, 0.0044%; no homozygotes.

Submissions (4):

PreventionGenetics, part of Exact Sciences
Classification: Uncertain significance for CRX-related condition. Last evaluated: 2025-12-09. Review status: criteria provided, single submitter. Criteria: ACMG Guidelines, 2015. Collection method: clinical testing. Allele origin: germline.
Comment: The CRX c.37G>C variant is predicted to result in the amino acid substitution p.Val13Leu. To our knowledge, this variant has not been reported in the literature. This variant is reported in 0.0077% of alleles in individuals of European (Non-Finnish) descent in gnomAD. At this time, the clinical significance of this variant is uncertain due to the absence of conclusive functional and genetic evidence.

Laboratory of Genetics, Children's Clinical University Hospital Latvia
Classification: Likely benign. Last evaluated: 2025-02-16. Review status: criteria provided, single submitter. Criteria: ACMG Guidelines, 2015. Collection method: clinical testing. Allele origin: germline. Affected: yes.

Labcorp Genetics (formerly Invitae), Labcorp
Classification: Uncertain significance for Cone-rod dystrophy 2; Leber congenital amaurosis 7. Last evaluated: 2024-10-04. Review status: criteria provided, single submitter. Criteria: Invitae Variant Classification Sherloc (09022015). Collection method: clinical testing. Allele origin: germline.
Comment: This sequence change replaces valine, which is neutral and non-polar, with leucine, which is neutral and non-polar, at codon 13 of the CRX protein (p.Val13Leu). This variant is present in population databases (rs752458888, gnomAD 0.008%). This variant has not been reported in the literature in individuals affected with CRX-related conditions. Invitae Evidence Modeling of protein sequence and biophysical properties (such as structural, functional, and spatial information, amino acid conservation, physicochemical variation, residue mobility, and thermodynamic stability) indicates that this missense variant is not expected to disrupt CRX protein function with a negative predictive value of 95%. In summary, the available evidence is currently insufficient to determine the role of this variant in disease. Therefore, it has been classified as a Variant of Uncertain Significance.

Blueprint Genetics
Classification: Uncertain significance. Last evaluated: 2024-04-23. Review status: criteria provided, single submitter. Criteria: ACMG Guidelines, 2015. Collection method: clinical testing. Allele origin: germline.